The following is an entry in ClinVar:

ClinVar aggregate classification (germline): Uncertain significance. Review status: criteria provided, multiple submitters, no conflicts (2 of 4 stars). 2 submissions from 2 submitters: Uncertain significance (2). Last evaluated 2025-11-05.

Conditions:
PLXNA2-related disorder. Also called: PLXNA2-related condition.

Allele frequency attached by ClinVar (database versions not stated): ExAC 0.00001; TOPMed 0.00001; gnomAD 0.00002; gnomAD exomes 0.00002.
gnomAD v4.1: 28 of 1,613,146 alleles (0.0017%); highest among the groups gnomAD compares: South Asian, 0.0044%; no homozygotes.

Submissions (2):

PreventionGenetics, part of Exact Sciences
Classification: Uncertain significance for PLXNA2-related condition. Last evaluated: 2025-11-05. Review status: criteria provided, single submitter. Criteria: ACMG Guidelines, 2015. Collection method: clinical testing. Allele origin: germline.
Comment: The PLXNA2 c.5500G>A variant is predicted to result in the amino acid substitution p.Ala1834Thr. To our knowledge, this variant has not been reported in the literature. This variant is reported in 0.0040% of alleles in individuals of African descent in gnomAD. At this time, the clinical significance of this variant is uncertain due to the absence of conclusive functional and genetic evidence.

Ambry Genetics
Classification: Uncertain significance. Last evaluated: 2025-04-15. Review status: criteria provided, single submitter. Criteria: Ambry Variant Classification Scheme 2023. Collection method: clinical testing. Allele origin: germline.

NM_025179.4(PLXNA2):c.5500G>A (p.Ala1834Thr)

Gene: PLXNA2 (plexin A2; minus strand). Cytogenetic location: 1q32.2.
Variant type: single nucleotide variant.
Coding change: c.5500G>A on transcript NM_025179.4 (MANE Select); coding-DNA position 5500, G replaced by A.
Protein change: p.Ala1834Thr; replaces alanine 1834 with threonine.
Molecular consequence: missense variant.
Genome position (GRCh38, 1-based): chr1:208,028,098, C>T on the plus strand (G>A on the coding strand, the complement: PLXNA2 is on the minus strand). VCF-style: chr1-208028098-C-T. GRCh37 (hg19) VCF-style: chr1-208201443-C-T.
Other names: short protein forms A1834T.
Identifiers: ClinVar variation 3046753 (VCV003046753.4), dbSNP rs750685623, ClinGen allele CA1372544.